The following is an entry in ClinVar:

NM_001330360.2(POLA1):c.2874A>G (p.Thr958=)

Gene: POLA1 (DNA polymerase alpha 1, catalytic subunit; plus strand). Cytogenetic location: Xp22.11.
Variant type: single nucleotide variant.
Coding change: c.2874A>G on transcript NM_001330360.2 (MANE Select); coding-DNA position 2874, A replaced by G.
Protein change: p.Thr958=; no amino-acid change (threonine 958 retained).
Molecular consequence: synonymous variant. On other transcripts: non-coding transcript variant (2).
Genome position (GRCh38, 1-based): chrX:24,748,902, A>G. VCF-style: chrX-24748902-A-G. GRCh37 (hg19) VCF-style: chrX-24767019-A-G.
Other names: c.2856A>G (NM_016937.3); c.2799A>G, p.Thr933= (NM_001378303.1); c.2856A>G, p.Thr952= (NM_016937.4).
Identifiers: ClinVar variation 2190693 (VCV002190693.6), dbSNP rs757551355, ClinGen allele CA10373308.

ClinVar aggregate classification (germline): Benign. Review status: criteria provided, single submitter (1 of 4 stars). 2 submissions from 2 submitters: Benign (1). 1 of the submissions does not count toward it. Last evaluated 2022-09-24.

Conditions:
POLA1-related disorder. Also called: POLA1-related condition.

Allele frequency attached by ClinVar (database versions not stated): TOPMed 0.00001; gnomAD 0.00006; gnomAD exomes 0.00008; ExAC 0.00023.
gnomAD v4.1: 102 of 1,205,818 alleles (0.0085%); highest among the groups gnomAD compares: South Asian, 0.17%; 1 homozygote.

Submissions (2):

Labcorp Genetics (formerly Invitae), Labcorp
Classification: Benign. Last evaluated: 2022-09-24. Review status: criteria provided, single submitter. Criteria: Invitae Variant Classification Sherloc (09022015). Collection method: clinical testing. Allele origin: germline.

PreventionGenetics, part of Exact Sciences
Classification: Likely benign for POLA1-related condition. Last evaluated: 2019-04-02. Review status: no assertion criteria provided. Collection method: clinical testing. Allele origin: germline. Not counted in ClinVar's aggregate classification.
Comment: This variant is classified as likely benign based on ACMG/AMP sequence variant interpretation guidelines (Richards et al. 2015 PMID: 25741868, with internal and published modifications).